The following is an entry in ClinVar:

ClinVar aggregate classification (germline): Pathogenic. Review status: criteria provided, multiple submitters, no conflicts (2 of 4 stars). 2 submissions from 2 submitters: Pathogenic (2). Last evaluated 2025-08-07.

Conditions:
Alstrom syndrome (ALMS). Identifiers: Orphanet 64, MedGen C0268425, MONDO:0008763, OMIM 203800.

Submissions (2):

3billion
Classification: Pathogenic for Alstrom syndrome. Last evaluated: 2025-08-07. Review status: criteria provided, single submitter. Criteria: ACMG Guidelines, 2015. Collection method: clinical testing. Allele origin: germline. Affected: yes.
Comment: The variant is not observed in the gnomAD v4.1.0 dataset. Predicted Consequence/Location: Frameshift: predicted to result in a loss or disruption of normal protein function through nonsense-mediated decay (NMD) or protein truncation. Multiple pathogenic variants are reported downstream of the variant. The variant has been reported to be associated with ALMS1-related disorder (ClinVar ID: VCV003712673). Therefore, this variant is classified as Pathogenic according to the recommendation of ACMG/AMP guideline.

Labcorp Genetics (formerly Invitae), Labcorp
Classification: Pathogenic for Alstrom syndrome. Last evaluated: 2024-09-27. Review status: criteria provided, single submitter. Criteria: Invitae Variant Classification Sherloc (09022015). Collection method: clinical testing. Allele origin: germline.
Comment: This sequence change creates a premature translational stop signal (p.Ser2701Ilefs*25) in the ALMS1 gene. It is expected to result in an absent or disrupted protein product. Loss-of-function variants in ALMS1 are known to be pathogenic (PMID: 17594715). This variant is not present in population databases (gnomAD no frequency). This variant has not been reported in the literature in individuals affected with ALMS1-related conditions. For these reasons, this variant has been classified as Pathogenic.

Literature cited by the submitters: PubMed 17594715 (cited by Labcorp Genetics (formerly Invitae), Labcorp).

NM_001378454.1(ALMS1):c.8096dup (p.Ser2700fs)

Gene: ALMS1 (ALMS1 centrosome and basal body associated protein; plus strand). Cytogenetic location: 2p13.1.
Variant type: Duplication.
Coding change: c.8096dup on transcript NM_001378454.1 (MANE Select); coding-DNA position 8096, one base duplicated (C; older notation c.8096dupC).
Protein change: p.Ser2700fs; shifts the reading frame from serine 2700.
Molecular consequence: frameshift variant.
Genome position (GRCh38, 1-based): chr2:73,490,055, C duplicated. VCF-style (leftmost placement, unchanged base first): chr2-73490054-T-TC. GRCh37 (hg19) VCF-style: chr2-73717181-T-TC.
Other names: c.8099dup, p.Ser2701fs (NM_015120.4); short protein forms S2700fs, S2701fs.
Identifiers: ClinVar variation 3712673 (VCV003712673.3).
Genomic context (GRCh38, chr2:73,490,054, plus strand): 5'-TGGCTGTCAGAATTAGTAGAACCTGCTTTTGTGCCACCTAAAGAAGTGGATTTTCATTCT[T>TC]CATCACAAATGCCGTCCCCAGAACCCATGAAAAAGTTTACTACCTCCATCACTTTTTCAT-3'